The following is an entry in ClinVar:

NC_000017.10:g.(?_56798087)_(57771213_?)dup

Genes: CLTC (clathrin heavy chain; plus strand), DHX40 (DEAH-box helicase 40; plus strand), GDPD1 (glycerophosphodiester phosphodiesterase domain containing 1; plus strand), PPM1E (protein phosphatase, Mg2+/Mn2+ dependent 1E; plus strand), PRR11 (proline rich 11; plus strand) and 5 more. Cytogenetic location: 17q22-23.1.
Variant type: Duplication.
Identifiers: ClinVar variation 2426129 (VCV002426129.4).

ClinVar aggregate classification (germline): Uncertain significance (1 of 4 stars; one submission).

Submission:

Labcorp Genetics (formerly Invitae), Labcorp
Classification: Uncertain significance. Last evaluated: 2023-08-17. Review status: criteria provided, single submitter. Criteria: Invitae Variant Classification Sherloc (09022015). Collection method: clinical testing. Allele origin: germline.
Comment: This variant has not been reported in the literature in individuals affected with TRIM37-related conditions. A copy number gain of the genomic region encompassing the full coding sequence of the TRIM37 gene has been identified. The boundaries of this event are unknown as they extend beyond the assayed region for this gene and therefore may encompass additional genes. As the precise location of this event is unknown, it may be in tandem or it may be located elsewhere in the genome. In summary, the available evidence is currently insufficient to determine the role of this variant in disease. Therefore, it has been classified as a Variant of Uncertain Significance.